The following is an entry in ClinVar:

NM_000206.3(IL2RG):c.715G>T (p.Glu239Ter)

Gene: IL2RG (interleukin 2 receptor subunit gamma; minus strand). Cytogenetic location: Xq13.1.
Variant type: single nucleotide variant.
Coding change: c.715G>T on transcript NM_000206.3 (MANE Select); coding-DNA position 715, G replaced by T.
Protein change: p.Glu239Ter; replaces glutamic acid 239 with a stop codon.
Molecular consequence: nonsense.
Genome position (GRCh38, 1-based): chrX:71,109,270, C>A on the plus strand (G>T on the coding strand, the complement: IL2RG is on the minus strand). VCF-style: chrX-71109270-C-A. GRCh37 (hg19) VCF-style: chrX-70329120-C-A.
Other names: short protein forms E239*.
Identifiers: ClinVar variation 1725005 (VCV001725005.2), dbSNP rs2519645536, ClinGen allele CA413495901.

ClinVar aggregate classification (germline): Likely pathogenic (1 of 4 stars; one submission).

Conditions:
X-linked severe combined immunodeficiency (SCIDX1). Also called: IMMUNODEFICIENCY 4; SCID, X-LINKED; SEVERE COMBINED IMMUNODEFICIENCY, X-LINKED, T CELL-NEGATIVE, B CELL-POSITIVE, NK CELL-NEGATIVE; T-B+ severe combined immunodeficiency due to gamma chain deficiency; X-Linked Combined Immunodeficiency Diseases. Identifiers: Orphanet 276, MedGen C6022468, MONDO:0010315, OMIM 300400. Disease mechanism: loss of function.

Submission:

Myriad Genetics, Inc.
Classification: Likely pathogenic for X-linked severe combined immunodeficiency. Last evaluated: 2022-03-04. Review status: criteria provided, single submitter. Criteria: Myriad Women's Health Autosomal Recessive and X-Linked Classification Criteria (2021). Collection method: clinical testing. Allele origin: unknown.
Comment: NM_000206.2(IL2RG):c.715G>T(E239*) is expected to be pathogenic in the context of X-linked severe combined immunodeficiency. This variant is predicted to lead to an abnormal or absent protein product due to the creation of a premature termination codon in IL2RG, a gene where loss-of-function variants are known to be pathogenic. Please note: this variant was assessed in the context of healthy population screening.